The following is an entry in ClinVar:

ClinVar aggregate classification (germline): Likely benign. Review status: criteria provided, multiple submitters, no conflicts (2 of 4 stars). 2 submissions from 2 submitters: Likely benign (2). Last evaluated 2026-02-12.

Conditions:
TRIOBP-related disorder. Also called: TRIOBP-related condition.

gnomAD v4.1: 31 of 1,613,050 alleles (0.0019%); highest among the groups gnomAD compares: Admixed American, 0.013%; no homozygotes.

Submissions (2):

PreventionGenetics, part of Exact Sciences
Classification: Likely benign for TRIOBP-related condition. Last evaluated: 2026-02-12. Review status: criteria provided, single submitter. Criteria: ACMG Guidelines, 2015. Collection method: clinical testing. Allele origin: germline.
Comment: This variant is classified as likely benign based on ACMG/AMP sequence variant interpretation guidelines (Richards et al. 2015 PMID: 25741868, with internal and published modifications).

Labcorp Genetics (formerly Invitae), Labcorp
Classification: Likely benign. Last evaluated: 2025-12-23. Review status: criteria provided, single submitter. Criteria: Invitae Variant Classification Sherloc (09022015). Collection method: clinical testing. Allele origin: germline.

NM_001039141.3(TRIOBP):c.6309G>A (p.Pro2103=)

Gene: TRIOBP (TRIO and F-actin binding protein; plus strand). Cytogenetic location: 22q13.1.
Variant type: single nucleotide variant.
Coding change: c.6309G>A on transcript NM_001039141.3 (MANE Select); coding-DNA position 6309, G replaced by A.
Protein change: p.Pro2103=; no amino-acid change (proline 2103 retained).
Molecular consequence: synonymous variant.
Genome position (GRCh38, 1-based): chr22:37,759,249, G>A. VCF-style: chr22-37759249-G-A. GRCh37 (hg19) VCF-style: chr22-38155256-G-A.
Other names: c.1170G>A, p.Pro390= (NM_007032.5, NM_138632.2); c.6309G>A (NM_001039141.2).
Identifiers: ClinVar variation 4754914 (VCV004754914.2).